The following is an entry in ClinVar:

ClinVar aggregate classification (germline): Uncertain significance (1 of 4 stars; one submission).

Submission:

Labcorp Genetics (formerly Invitae), Labcorp
Classification: Uncertain significance. Last evaluated: 2022-06-27. Review status: criteria provided, single submitter. Criteria: Invitae Variant Classification Sherloc (09022015). Collection method: clinical testing. Allele origin: germline.
Comment: In summary, the available evidence is currently insufficient to determine the role of this variant in disease. Therefore, it has been classified as a Variant of Uncertain Significance. Advanced modeling of protein sequence and biophysical properties (such as structural, functional, and spatial information, amino acid conservation, physicochemical variation, residue mobility, and thermodynamic stability) performed at Invitae indicates that this missense variant is not expected to disrupt COL11A1 protein function. This variant has not been reported in the literature in individuals affected with COL11A1-related conditions. This variant is not present in population databases (gnomAD no frequency). This sequence change replaces threonine, which is neutral and polar, with alanine, which is neutral and non-polar, at codon 319 of the COL11A1 protein (p.Thr319Ala).

NM_001854.4(COL11A1):c.955A>G (p.Thr319Ala)

Gene: COL11A1 (collagen type XI alpha 1 chain; minus strand). Cytogenetic location: 1p21.1.
Variant type: single nucleotide variant.
Coding change: c.955A>G on transcript NM_001854.4 (MANE Select); coding-DNA position 955, A replaced by G.
Protein change: p.Thr319Ala; replaces threonine 319 with alanine.
Molecular consequence: missense variant. On other transcripts: non-coding transcript variant (1), intron variant (1).
Genome position (GRCh38, 1-based): chr1:103,025,556, T>C on the plus strand (A>G on the coding strand, the complement: COL11A1 is on the minus strand). VCF-style: chr1-103025556-T-C. GRCh37 (hg19) VCF-style: chr1-103491112-T-C.
Other names: c.838A>G, p.Thr280Ala (NM_001190709.2); c.991A>G, p.Thr331Ala (NM_080629.3); c.897+660A>G (NM_080630.4); short protein forms T280A, T319A, T331A.
Identifiers: ClinVar variation 1387323 (VCV001387323.6), dbSNP rs2101961446, ClinGen allele CA341155538.